The following is an entry in ClinVar:

ClinVar aggregate classification (germline): Uncertain significance (1 of 4 stars; one submission).

Conditions:
Cardiovascular phenotype. Identifiers: MedGen CN230736.

Submission:

Ambry Genetics
Classification: Uncertain significance for Cardiovascular phenotype. Last evaluated: 2025-11-15. Review status: criteria provided, single submitter. Criteria: Ambry Variant Classification Scheme 2023. Collection method: clinical testing. Allele origin: germline.
Comment: The p.P3251S variant (also known as c.9751C>T), located in coding exon 2 of the ZNF469 gene, results from a C to T substitution at nucleotide position 9751. The proline at codon 3251 is replaced by serine, an amino acid with similar properties. This amino acid position is conserved. In addition, this alteration is predicted to be tolerated by in silico analysis. Based on the available evidence, the clinical significance of this variant remains unclear.

NM_001127464.1:c.9751C>T

Gene: ZNF469 (zinc finger protein 469; plus strand).
Variant type: single nucleotide variant.
Identifiers: ClinVar variation 4615505 (VCV004615505.1).